The following is an entry in ClinVar:

NM_001735.3(C5):c.2059+2T>C

Gene: C5 (complement C5; minus strand). Cytogenetic location: 9q33.2.
Variant type: single nucleotide variant.
Coding change: c.2059+2T>C on transcript NM_001735.3 (MANE Select); the canonical splice donor site of the intron after coding-DNA position 2059, T replaced by C.
Molecular consequence: splice donor variant.
Genome position (GRCh38, 1-based): chr9:121,015,197, A>G on the plus strand (T>C on the coding strand, the complement: C5 is on the minus strand). VCF-style: chr9-121015197-A-G. GRCh37 (hg19) VCF-style: chr9-123777475-A-G.
Other names: c.2077+2T>C (NM_001317163.2); c.2059+2T>C (NM_001317164.2).
Identifiers: ClinVar variation 4805516 (VCV004805516.1).

ClinVar aggregate classification (germline): Likely pathogenic (1 of 4 stars; one submission).

gnomAD v4.1: 3 of 1,584,962 alleles (0.00019%); no homozygotes.

Submission:

Labcorp Genetics (formerly Invitae), Labcorp
Classification: Likely pathogenic. Last evaluated: 2025-08-27. Review status: criteria provided, single submitter. Criteria: Invitae Variant Classification Sherloc (09022015). Collection method: clinical testing. Allele origin: germline.
Comment: This sequence change affects a donor splice site in intron 16 of the C5 gene. It is expected to disrupt RNA splicing. Variants that disrupt the donor or acceptor splice site typically lead to a loss of protein function (PMID: 16199547), and loss-of-function variants in C5 are known to be pathogenic (PMID: 7730648, 19414197, 27026170). This variant is not present in population databases (gnomAD no frequency). This variant has not been reported in the literature in individuals affected with C5-related conditions. Algorithms developed to predict the effect of sequence changes on RNA splicing suggest that this variant may disrupt the consensus splice site. In summary, the currently available evidence indicates that the variant is pathogenic, but additional data are needed to prove that conclusively. Therefore, this variant has been classified as Likely Pathogenic.

Literature cited by the submitters: PubMed 16199547; PubMed 7730648; PubMed 19414197; PubMed 27026170.